The following is an entry in ClinVar:

ClinVar aggregate classification (germline): Uncertain significance (1 of 4 stars; one submission).

gnomAD v4.1: 3 of 1,614,006 alleles (0.00019%); highest among the groups gnomAD compares: Non-Finnish European, 0.00025%; no homozygotes.

Submission:

Labcorp Genetics (formerly Invitae), Labcorp
Classification: Uncertain significance. Last evaluated: 2023-08-09. Review status: criteria provided, single submitter. Criteria: Invitae Variant Classification Sherloc (09022015). Collection method: clinical testing. Allele origin: germline.
Comment: This sequence change replaces alanine, which is neutral and non-polar, with valine, which is neutral and non-polar, at codon 3773 of the HMCN1 protein (p.Ala3773Val). This variant is not present in population databases (gnomAD no frequency). This variant has not been reported in the literature in individuals affected with HMCN1-related conditions. Algorithms developed to predict the effect of missense changes on protein structure and function output the following: SIFT: "Not Available"; PolyPhen-2: "Probably Damaging"; Align-GVGD: "Not Available". The valine amino acid residue is found in multiple mammalian species, which suggests that this missense change does not adversely affect protein function. In summary, the available evidence is currently insufficient to determine the role of this variant in disease. Therefore, it has been classified as a Variant of Uncertain Significance.

NM_031935.3(HMCN1):c.11318C>T (p.Ala3773Val)

Gene: HMCN1 (hemicentin 1; plus strand). Cytogenetic location: 1q31.1.
Variant type: single nucleotide variant.
Coding change: c.11318C>T on transcript NM_031935.3 (MANE Select); coding-DNA position 11318, C replaced by T.
Protein change: p.Ala3773Val; replaces alanine 3773 with valine.
Molecular consequence: missense variant.
Genome position (GRCh38, 1-based): chr1:186,114,860, C>T. VCF-style: chr1-186114860-C-T. GRCh37 (hg19) VCF-style: chr1-186083992-C-T.
Other names: short protein forms A3773V.
Identifiers: ClinVar variation 2751394 (VCV002751394.3), dbSNP rs2528005209, ClinGen allele CA343942686.